The following is an entry in ClinVar:

ClinVar aggregate classification (germline): Uncertain significance (1 of 4 stars; one submission).

Conditions:
Rhabdoid tumor predisposition syndrome 2 (RTPS2). Identifiers: Orphanet 231108, Orphanet 69077, MedGen C2750074, MONDO:0013224, OMIM 613325.

Submission:

Labcorp Genetics (formerly Invitae), Labcorp
Classification: Uncertain significance for Rhabdoid tumor predisposition syndrome 2. Last evaluated: 2021-08-20. Review status: criteria provided, single submitter. Criteria: Invitae Variant Classification Sherloc (09022015). Collection method: clinical testing. Allele origin: germline.
Comment: This sequence change affects codon 1577 of the SMARCA4 mRNA. It is a 'silent' change, meaning that it does not change the encoded amino acid sequence of the SMARCA4 protein. This variant also falls at the last nucleotide of exon 33, which is part of the consensus splice site for this exon. This variant is not present in population databases (ExAC no frequency). This variant has not been reported in the literature in individuals affected with SMARCA4-related conditions. Variants that disrupt the consensus splice site are a relatively common cause of aberrant splicing (PMID: 17576681, 9536098). Algorithms developed to predict the effect of sequence changes on RNA splicing suggest that this variant may disrupt the consensus splice site. In summary, the available evidence is currently insufficient to determine the role of this variant in disease. Therefore, it has been classified as a Variant of Uncertain Significance.

Literature cited by the submitters: PubMed 17576681; PubMed 9536098.

NM_003072.5(SMARCA4):c.4635G>A (p.Leu1545=)

Gene: SMARCA4 (SWI/SNF related BAF chromatin remodeling complex subunit ATPase 4; plus strand). Cytogenetic location: 19p13.2.
Variant type: single nucleotide variant.
Coding change: c.4635G>A on transcript NM_003072.5 (MANE Select); coding-DNA position 4635, G replaced by A.
Protein change: p.Leu1545=; no amino-acid change (leucine 1545 retained).
Molecular consequence: synonymous variant. On other transcripts: non-coding transcript variant (1).
Genome position (GRCh38, 1-based): chr19:11,058,889, G>A. VCF-style: chr19-11058889-G-A. GRCh37 (hg19) VCF-style: chr19-11169565-G-A.
Other names: c.4635G>A, p.Leu1545= (NM_001128844.3); c.4545G>A, p.Leu1515= (NM_001128845.2); c.4542G>A, p.Leu1514= (NM_001128846.2); c.4536G>A, p.Leu1512= (NM_001128847.4, NM_001374457.1); c.4533G>A, p.Leu1511= (NM_001128848.2); c.4731G>A, p.Leu1577= (NM_001128849.3, NM_001387283.1).
Identifiers: ClinVar variation 1469641 (VCV001469641.6), dbSNP rs2147099255, ClinGen allele CA505495002.